The following is an entry in ClinVar:

NM_004281.4(BAG3):c.1663_1666dup (p.Ala556fs)

Gene: BAG3 (BAG cochaperone 3; plus strand). Cytogenetic location: 10q26.11.
Variant type: Duplication.
Coding change: c.1663_1666dup on transcript NM_004281.4 (MANE Select); coding-DNA positions 1663 to 1666, 4 bases duplicated (ACAG; older notation c.1663_1666dupACAG).
Protein change: p.Ala556fs; shifts the reading frame from alanine 556.
Molecular consequence: frameshift variant.
Genome position (GRCh38, 1-based): chr10:119,677,217-119,677,220, ACAG duplicated. VCF-style (leftmost placement, unchanged base first): chr10-119677216-C-CACAG. GRCh37 (hg19) VCF-style: chr10-121436728-C-CACAG.
Other names: short protein forms A556fs.
Identifiers: ClinVar variation 957382 (VCV000957382.23), dbSNP rs1273311196, ClinGen allele CA596327703.

ClinVar aggregate classification (germline): Uncertain significance. Review status: criteria provided, multiple submitters, no conflicts (2 of 4 stars). 4 submissions from 4 submitters: Uncertain significance (2). 2 of the submissions do not count toward it. Last evaluated 2025-12-09.

Conditions:
Myofibrillar myopathy 6. Identifiers: Orphanet 199340, MedGen C2751831, MONDO:0013061, OMIM 612954.
Dilated cardiomyopathy 1HH (CMD1HH). Identifiers: Orphanet 154, MedGen C3151293, MONDO:0013479, OMIM 613881.

Allele frequency attached by ClinVar (database versions not stated): gnomAD exomes below 0.00001; TOPMed below 0.00001.

Submissions (4):

Labcorp Genetics (formerly Invitae), Labcorp
Classification: Uncertain significance for Dilated cardiomyopathy 1HH; Myofibrillar myopathy 6. Last evaluated: 2025-12-09. Review status: criteria provided, single submitter. Criteria: Invitae Variant Classification Sherloc (09022015). Collection method: clinical testing. Allele origin: germline.
Comment: This sequence change creates a premature translational stop signal (p.Ala556Aspfs*17) in the BAG3 gene. While this is not anticipated to result in nonsense mediated decay, it is expected to disrupt the last 20 amino acid(s) of the BAG3 protein. This variant is present in population databases (no rsID available, gnomAD 0.0009%). This variant has not been reported in the literature in individuals affected with BAG3-related conditions. ClinVar contains an entry for this variant (Variation ID: 957382). Experimental studies and prediction algorithms are not available or were not evaluated, and the functional significance of this variant is currently unknown. In summary, the available evidence is currently insufficient to determine the role of this variant in disease. Therefore, it has been classified as a Variant of Uncertain Significance.

CeGaT Center for Human Genetics Tuebingen
Classification: Uncertain significance. Last evaluated: 2024-10-01. Review status: criteria provided, single submitter. Criteria: CeGaT Center For Human Genetics Tuebingen Variant Classification Criteria Version 2. Collection method: clinical testing. Allele origin: germline. Affected: yes. Observed: 1 variant allele.
Comment: BAG3: PVS1:Moderate, PM2:Supporting

Clinical Genetics DNA and cytogenetics Diagnostics Lab, Erasmus MC, Erasmus Medical Center
Classification: Uncertain significance. Review status: no assertion criteria provided. Collection method: clinical testing. Allele origin: germline. Affected: yes. Study: VKGL Data-share Consensus. Not counted in ClinVar's aggregate classification.

Genome Diagnostics Laboratory, Amsterdam University Medical Center
Classification: Uncertain significance. Review status: no assertion criteria provided. Collection method: clinical testing. Allele origin: germline. Affected: yes. Study: VKGL Data-share Consensus. Not counted in ClinVar's aggregate classification.